The following is an entry in ClinVar:

ClinVar aggregate classification (germline): Uncertain significance. Review status: criteria provided, single submitter (1 of 4 stars). 3 submissions from 3 submitters: Uncertain significance (1). 2 of the submissions do not count toward it. Last evaluated 2022-06-13.

Conditions:
Alstrom syndrome (ALMS). Identifiers: Orphanet 64, MedGen C0268425, MONDO:0008763, OMIM 203800.

Allele frequency attached by ClinVar (database versions not stated): gnomAD exomes 0.00002 and 0.00001; TOPMed 0.00005; gnomAD 0.00007; 1000 Genomes Project 30x 0.00016; ExAC 0.00002; 1000 Genomes Project 0.00020.
gnomAD v4.1: 19 of 1,610,190 alleles (0.0012%); highest among the groups gnomAD compares: Admixed American, 0.03%; no homozygotes.

Submissions (3):

Labcorp Genetics (formerly Invitae), Labcorp
Classification: Uncertain significance for Alstrom syndrome. Last evaluated: 2022-06-13. Review status: criteria provided, single submitter. Criteria: Invitae Variant Classification Sherloc (09022015). Collection method: clinical testing. Allele origin: germline.
Comment: This sequence change falls in intron 6 of the ALMS1 gene. It does not directly change the encoded amino acid sequence of the ALMS1 protein. It affects a nucleotide within the consensus splice site. This variant is present in population databases (rs572922738, gnomAD 0.01%). This variant has not been reported in the literature in individuals affected with ALMS1-related conditions. ClinVar contains an entry for this variant (Variation ID: 551099). Variants that disrupt the consensus splice site are a relatively common cause of aberrant splicing (PMID: 17576681, 9536098). Algorithms developed to predict the effect of sequence changes on RNA splicing suggest that this variant may create or strengthen a splice site. In summary, the available evidence is currently insufficient to determine the role of this variant in disease. Therefore, it has been classified as a Variant of Uncertain Significance.

Natera, Inc.
Classification: Uncertain significance for Alstrom syndrome. Last evaluated: 2021-05-04. Review status: no assertion criteria provided. Collection method: clinical testing. Allele origin: germline. Not counted in ClinVar's aggregate classification.

Counsyl
Classification: Uncertain significance for Alstrom syndrome. Last evaluated: 2017-03-10. Review status: no assertion criteria provided. Collection method: clinical testing. Allele origin: unknown. Not counted in ClinVar's aggregate classification.

Literature cited by the submitters: PubMed 17576681 (cited by Labcorp Genetics (formerly Invitae), Labcorp); PubMed 9536098 (cited by Labcorp Genetics (formerly Invitae), Labcorp).

NM_001378454.1(ALMS1):c.1339-3A>C

Gene: ALMS1 (ALMS1 centrosome and basal body associated protein; plus strand). Cytogenetic location: 2p13.1.
Variant type: single nucleotide variant.
Coding change: c.1339-3A>C on transcript NM_001378454.1 (MANE Select); 3 bases into the intron before coding-DNA position 1339, A replaced by C.
Molecular consequence: intron variant.
Genome position (GRCh38, 1-based): chr2:73,432,195, A>C. VCF-style: chr2-73432195-A-C. GRCh37 (hg19) VCF-style: chr2-73659323-A-C.
Other names: c.1342-3A>C (NM_015120.4); c.1339-3A>C (NM_015120.4).
Identifiers: ClinVar variation 551099 (VCV000551099.10), dbSNP rs572922738, ClinGen allele CA1713127.